The following is an entry in ClinVar:

ClinVar aggregate classification (germline): Pathogenic. Review status: criteria provided, multiple submitters, no conflicts (2 of 4 stars). 2 submissions from 2 submitters: Pathogenic (2). Last evaluated 2022-06-07.

Conditions:
Duchenne muscular dystrophy (DMD). Also called: MUSCULAR DYSTROPHY, PSEUDOHYPERTROPHIC PROGRESSIVE, DUCHENNE TYPE; Duchenne Muscular Dystrophy (DMD). Identifiers: Orphanet 98896, MedGen C0013264, MONDO:0010679, OMIM 310200.

Submissions (2):

GeneDx
Classification: Pathogenic. Last evaluated: 2022-06-07. Review status: criteria provided, single submitter. Criteria: GeneDx Variant Classification Process June 2021. Collection method: clinical testing. Allele origin: germline. Affected: yes.
Comment: Nonsense variant predicted to result in protein truncation or nonsense mediated decay in a gene for which loss of function is a known mechanism of disease; Not observed at significant frequency in large population cohorts (gnomAD); Has not been previously published as pathogenic or benign to our knowledge; Based on the understanding of this genetic alteration, it may be amenable to nonsense read-through therapy that is currently available or in clinical trial

Labcorp Genetics (formerly Invitae), Labcorp
Classification: Pathogenic for Duchenne muscular dystrophy. Last evaluated: 2021-08-02. Review status: criteria provided, single submitter. Criteria: Invitae Variant Classification Sherloc (09022015). Collection method: clinical testing. Allele origin: germline.
Comment: This sequence change creates a premature translational stop signal (p.Glu1704*) in the DMD gene. It is expected to result in an absent or disrupted protein product. Loss-of-function variants in DMD are known to be pathogenic (PMID: 16770791, 25007885). For these reasons, this variant has been classified as Pathogenic. ClinVar contains an entry for this variant (Variation ID: 409924). This variant has not been reported in the literature in individuals affected with DMD-related conditions. This variant is not present in population databases (ExAC no frequency).

Literature cited by the submitters: PubMed 16770791 (cited by Labcorp Genetics (formerly Invitae), Labcorp); PubMed 25007885 (cited by Labcorp Genetics (formerly Invitae), Labcorp).

NM_004006.3(DMD):c.5110G>T (p.Glu1704Ter)

Gene: DMD (dystrophin; minus strand). Cytogenetic location: Xp21.1.
Variant type: single nucleotide variant.
Coding change: c.5110G>T on transcript NM_004006.3 (MANE Select); coding-DNA position 5110, G replaced by T.
Protein change: p.Glu1704Ter; replaces glutamic acid 1704 with a stop codon.
Molecular consequence: nonsense.
Genome position (GRCh38, 1-based): chrX:32,364,626, C>A on the plus strand (G>T on the coding strand, the complement: DMD is on the minus strand). VCF-style: chrX-32364626-C-A. GRCh37 (hg19) VCF-style: chrX-32382743-C-A.
Other names: c.5086G>T, p.Glu1696Ter (NM_000109.4); c.5098G>T, p.Glu1700Ter (NM_004009.3); c.4741G>T, p.Glu1581Ter (NM_004010.3); c.1087G>T, p.Glu363Ter (NM_004011.4); c.1078G>T, p.Glu360Ter (NM_004012.4); short protein forms E1704*, E1696*, E1581*, E1700*, E360*, E363*.
Identifiers: ClinVar variation 409924 (VCV000409924.8), dbSNP rs765445866, ClinGen allele CA16616488.